The following is an entry in ClinVar:

ClinVar aggregate classification (germline): Uncertain significance (1 of 4 stars; one submission).

Submission:

Labcorp Genetics (formerly Invitae), Labcorp
Classification: Uncertain significance. Last evaluated: 2022-10-07. Review status: criteria provided, single submitter. Criteria: Invitae Variant Classification Sherloc (09022015). Collection method: clinical testing. Allele origin: germline.
Comment: This sequence change creates a premature translational stop signal (p.Lys660Argfs*54) in the DHX32 gene. While this is not anticipated to result in nonsense mediated decay, it is expected to disrupt the last 84 amino acid(s) of the DHX32 protein. In summary, the available evidence is currently insufficient to determine the role of this variant in disease. Therefore, it has been classified as a Variant of Uncertain Significance. Experimental studies and prediction algorithms are not available or were not evaluated, and the functional significance of this variant is currently unknown. This variant has not been reported in the literature in individuals affected with DHX32-related conditions. This variant is not present in population databases (gnomAD no frequency).

NM_018180.3(DHX32):c.1979del (p.Lys660fs)

Genes: BCCIP (BRCA2 and CDKN1A interacting protein; plus strand), DHX32 (DEAH-box helicase 32 (putative); minus strand). Cytogenetic location: 10q26.2.
Variant type: Deletion.
Coding change: c.1979del on transcript NM_018180.3 (MANE Select); coding-DNA position 1979, one base deleted (A; older notation c.1979delA).
Protein change: p.Lys660fs; shifts the reading frame from lysine 660.
Molecular consequence: frameshift variant. On other transcripts: intron variant (2).
Genome position (GRCh38, 1-based): chr10:125,838,290, T deleted on the plus strand (A on the coding strand, the reverse complement: DHX32 is on the minus strand); the first of 2 consecutive T bases (chr10:125,838,290-125,838,291); deleting either gives the same sequence. VCF-style (leftmost placement, unchanged base first): chr10-125838289-CT-C. GRCh37 (hg19) VCF-style: chr10-127526858-CT-C.
Other names: c.775-2964del (NM_016567.4, NM_078469.3); short protein forms K660fs.
Identifiers: ClinVar variation 2034614 (VCV002034614.4), dbSNP rs2494366252, ClinGen allele CA2580082446.